The following is an entry in ClinVar:

NM_021620.4(PRDM13):c.544G>A (p.Val182Ile)

Gene: PRDM13 (PR/SET domain 13; plus strand). Cytogenetic location: 6q16.2.
Variant type: single nucleotide variant.
Coding change: c.544G>A on transcript NM_021620.4 (MANE Select); coding-DNA position 544, G replaced by A.
Protein change: p.Val182Ile; replaces valine 182 with isoleucine.
Molecular consequence: missense variant.
Genome position (GRCh38, 1-based): chr6:99,613,179, G>A. VCF-style: chr6-99613179-G-A. GRCh37 (hg19) VCF-style: chr6-100061055-G-A.
Other names: c.544G>A (NM_021620.3); short protein forms V182I.
Identifiers: ClinVar variation 2202270 (VCV002202270.5), dbSNP rs767483116, ClinGen allele CA3936231.

ClinVar aggregate classification (germline): Uncertain significance. Review status: criteria provided, multiple submitters, no conflicts (2 of 4 stars). 2 submissions from 2 submitters: Uncertain significance (2). Last evaluated 2025-12-19.

Conditions:
Inborn genetic diseases. Identifiers: MedGen C0950123, MeSH D030342.

Allele frequency attached by ClinVar (database versions not stated): gnomAD exomes 0.00001; TOPMed 0.00003; gnomAD 0.00005; ExAC 0.00007.
gnomAD v4.1: 24 of 1,612,656 alleles (0.0015%); highest among the groups gnomAD compares: East Asian, 0.036%; no homozygotes.

Submissions (2):

Labcorp Genetics (formerly Invitae), Labcorp
Classification: Uncertain significance. Last evaluated: 2025-12-19. Review status: criteria provided, single submitter. Criteria: Invitae Variant Classification Sherloc (09022015). Collection method: clinical testing. Allele origin: germline.
Comment: This sequence change replaces valine, which is neutral and non-polar, with isoleucine, which is neutral and non-polar, at codon 182 of the PRDM13 protein (p.Val182Ile). This variant is present in population databases (rs767483116, gnomAD 0.07%), and has an allele count higher than expected for a pathogenic variant. This variant has not been reported in the literature in individuals affected with PRDM13-related conditions. ClinVar contains an entry for this variant (Variation ID: 2202270). An algorithm developed to predict the effect of missense changes on protein structure and function (PolyPhen-2) suggests that this variant is likely to be tolerated. In summary, the available evidence is currently insufficient to determine the role of this variant in disease. Therefore, it has been classified as a Variant of Uncertain Significance.

Ambry Genetics
Classification: Uncertain significance for Inborn genetic diseases. Last evaluated: 2024-07-05. Review status: criteria provided, single submitter. Criteria: Ambry Variant Classification Scheme 2023. Collection method: clinical testing. Allele origin: germline.